The following is an entry in ClinVar:

NM_000334.4(SCN4A):c.1452+224T>C

Gene: SCN4A (sodium voltage-gated channel alpha subunit 4; minus strand). Cytogenetic location: 17q23.3.
Variant type: single nucleotide variant.
Coding change: c.1452+224T>C on transcript NM_000334.4 (MANE Select); 224 bases into the intron after coding-DNA position 1452, T replaced by C.
Molecular consequence: intron variant.
Genome position (GRCh38, 1-based): chr17:63,964,244, A>G on the plus strand (T>C on the coding strand, the complement: SCN4A is on the minus strand). VCF-style: chr17-63964244-A-G. GRCh37 (hg19) VCF-style: chr17-62041604-A-G.
Identifiers: ClinVar variation 669351 (VCV000669351.1), dbSNP rs917558, ClinGen allele CA292970925.

ClinVar aggregate classification (germline): Benign (1 of 4 stars; one submission).

Allele frequency attached by ClinVar (database versions not stated): gnomAD 0.78939 and 0.79937; TOPMed 0.79040; 1000 Genomes Project 30x 0.80481; 1000 Genomes Project 0.81410.
gnomAD v4.1: 121,882 of 152,214 alleles (80%); highest among the groups gnomAD compares: East Asian, 97%; 50,879 homozygotes.

Submission:

GeneDx
Classification: Benign. Last evaluated: 2018-06-14. Review status: criteria provided, single submitter. Criteria: GeneDx Variant Classification (06012015). Collection method: clinical testing. Allele origin: germline. Affected: yes.
Comment: This variant is considered likely benign or benign based on one or more of the following criteria: it is a conservative change, it occurs at a poorly conserved position in the protein, it is predicted to be benign by multiple in silico algorithms, and/or has population frequency not consistent with disease.